The following is an entry in ClinVar:

ClinVar aggregate classification (germline): Uncertain significance. Review status: criteria provided, multiple submitters, no conflicts (2 of 4 stars). 4 submissions from 4 submitters: Uncertain significance (4). Last evaluated 2026-01-13.

Conditions:
Autosomal dominant nonsyndromic hearing loss 51. Also called: CHROMOSOME 9q21.11 DUPLICATION SYNDROME; Deafness, autosomal dominant 51. Identifiers: Orphanet 90635, MedGen C3160736, MONDO:0013305, OMIM 613558.
Inborn genetic diseases. Identifiers: MedGen C0950123, MeSH D030342.

Allele frequency attached by ClinVar (database versions not stated): gnomAD 0.00001; TOPMed below 0.00001; ExAC 0.00002; gnomAD exomes 0.00004 and 0.00002.
gnomAD v4.1: 40 of 1,614,032 alleles (0.0025%); highest among the groups gnomAD compares: Middle Eastern, 0.016%; 1 homozygote.

Submissions (4):

Laboratory of Prof. Karen Avraham, Tel Aviv University
Classification: Uncertain significance for Autosomal dominant nonsyndromic hearing loss 51. Last evaluated: 2026-01-13. Review status: criteria provided, single submitter. Criteria: ACMG Guidelines, 2015. Collection method: research. Allele origin: germline. Inheritance: Autosomal dominant inheritance. Affected: yes. Observed: 1 heterozygote.

Ambry Genetics
Classification: Uncertain significance for Inborn genetic diseases. Last evaluated: 2025-03-23. Review status: criteria provided, single submitter. Criteria: Ambry Variant Classification Scheme 2023. Collection method: clinical testing. Allele origin: germline.

Eurofins Ntd Llc (ga)
Classification: Uncertain significance. Last evaluated: 2016-12-28. Review status: criteria provided, single submitter. Criteria: EGL Classification Definitions 2015. Collection method: clinical testing. Allele origin: germline. Observed: 1 variant allele, 1 heterozygote.

Breakthrough Genomics
Classification: Uncertain significance. Review status: criteria provided, single submitter. Criteria: ACMG Guidelines, 2015. Collection method: not provided. Allele origin: germline. Inheritance: Autosomal recessive inheritance. Affected: yes.

NM_004817.4(TJP2):c.1918G>A (p.Gly640Ser)

Gene: TJP2 (tight junction protein 2; plus strand). Cytogenetic location: 9q21.11.
Variant type: single nucleotide variant.
Coding change: c.1918G>A on transcript NM_004817.4 (MANE Select); coding-DNA position 1918, G replaced by A.
Protein change: p.Gly640Ser; replaces glycine 640 with serine.
Molecular consequence: missense variant.
Genome position (GRCh38, 1-based): chr9:69,236,165, G>A. VCF-style: chr9-69236165-G-A. GRCh37 (hg19) VCF-style: chr9-71851081-G-A.
Other names: c.1918G>A, p.Gly640Ser (LRG_1201t1, NM_001369872.1, NM_001369873.1 and 1 more transcripts); c.1849G>A, p.Gly617Ser (NM_001170414.2, NM_001369871.1); c.1930G>A, p.Gly644Ser (NM_001170415.1, NM_001369874.1, NM_001369875.1); c.2011G>A, p.Gly671Ser (NM_001170416.2); c.1843G>A, p.Gly615Ser (NM_001369870.1); c.1918G>A (NM_004817.3); short protein forms G640S, G671S, G615S, G617S, G644S.
Identifiers: ClinVar variation 499470 (VCV000499470.7), dbSNP rs747962817, ClinGen allele CA5073512.
Genomic context (GRCh38, chr9:69,236,165, plus strand): 5'-CCACAGAGCCTGGCCTTCACCAGAGGGGAGGTCTTCCGAGTGGTAGACACACTGTATGAC[G>A]GCAAGCTGGGCAACTGGCTGGCTGTGAGGATTGGGAACGAGTTGGAGAAAGGCTTAATCC-3'
Protein context (NP_004808.2, residues 630-650): VFRVVDTLYD[Gly640Ser]KLGNWLAVRI